The following is an entry in ClinVar:

NM_000186.4(CFH):c.1706G>A (p.Cys569Tyr)

Gene: CFH (complement factor H; plus strand). Cytogenetic location: 1q31.3.
Variant type: single nucleotide variant.
Coding change: c.1706G>A on transcript NM_000186.4 (MANE Select); coding-DNA position 1706, G replaced by A.
Protein change: p.Cys569Tyr; replaces cysteine 569 with tyrosine.
Molecular consequence: missense variant.
Genome position (GRCh38, 1-based): chr1:196,725,130, G>A. VCF-style: chr1-196725130-G-A. GRCh37 (hg19) VCF-style: chr1-196694260-G-A.
Other names: short protein forms C569Y.
Identifiers: ClinVar variation 3618805 (VCV003618805.2).
Genomic context (GRCh38, chr1:196,725,130, plus strand): 5'-TTGGCAATGATTAATTATATATTCTCATGAAATTATTTTACCTTTTTCAAGAAAGAGAAT[G>A]CGAACTTCCTAAAATAGATGTACACTTAGTTCCTGATCGCAAGAAAGACCAGTATAAAGT-3'
Protein context (NP_000177.2, residues 559-579): SDLPICYERE[Cys569Tyr]ELPKIDVHLV

ClinVar aggregate classification (germline): Uncertain significance (1 of 4 stars; one submission).

gnomAD v4.1: 1 of 1,612,910 alleles (0.000062%); highest among the groups gnomAD compares: Non-Finnish European, 0.000085%; no homozygotes.

Submission:

Labcorp Genetics (formerly Invitae), Labcorp
Classification: Uncertain significance. Last evaluated: 2024-12-30. Review status: criteria provided, single submitter. Criteria: Invitae Variant Classification Sherloc (09022015). Collection method: clinical testing. Allele origin: germline.
Comment: This sequence change replaces cysteine, which is neutral and slightly polar, with tyrosine, which is neutral and polar, at codon 569 of the CFH protein (p.Cys569Tyr). This variant is not present in population databases (gnomAD no frequency). This variant has not been reported in the literature in individuals affected with CFH-related conditions. An algorithm developed to predict the effect of missense changes on protein structure and function (PolyPhen-2) suggests that this variant is likely to be disruptive. In summary, the available evidence is currently insufficient to determine the role of this variant in disease. Therefore, it has been classified as a Variant of Uncertain Significance.